The following is an entry in ClinVar:

Single allele

Genes: ABCC1 (ATP binding cassette subfamily C member 1 (ABCC1 blood group); plus strand), ABCC6 (ATP binding cassette subfamily C member 6; minus strand), BMERB1 (bMERB domain containing 1; plus strand), CEP20 (centrosomal protein 20; minus strand), MARF1 (meiosis regulator and mRNA stability factor 1; minus strand) and 54 more. Cytogenetic location: 16p13.12-13.11.
Variant type: Deletion.
Identifiers: ClinVar variation 2498201 (VCV002498201.1).

ClinVar aggregate classification (germline): Likely pathogenic (1 of 4 stars; one submission).

Conditions:
16p13.11 recurrent microdeletion syndrome.

Submission:

New York Genome Center
Classification: Likely pathogenic for 16p13.11 recurrent microdeletion syndrome. Last evaluated: 2021-10-06. Review status: criteria provided, single submitter. Criteria: NYGC Assertion Criteria 2020. Collection method: clinical testing. Allele origin: inherited. Affected: yes. Observed: 1 variant allele. Study: CSER-NYCKidSeq.
Comment: The inherited ~1.5Mb interstitial 16p13.11 BP2-BP3 deletion contains 14 OMIM associated genes, and 4 of those are disease associated (MYH11, ABCC6, NDE1, and ABCC1). This region harbors a cluster of low copy repeats that lead to recurrent copy number changes, mainly three single copy intervals between segmental duplications (PMID: 21150890, 19786961). Interval I includes the genes RRN3 and PDXDC1; Interval II includes MYH11, NDE1, and ABCC6, and Interval III includes XYLT1. Deletions and duplications most commonly include the genes in interval II but may extend to include intervals I and III (PMID:21150890, 19786961). The presence of these repeats makes mapping the exact breakpoints with short-read sequencing and/or microarray difficult. Deletions in this region are associated with 16p13.11 BP2-BP3 recurrent deletion syndrome, which has a high degree of phenotypic variability and confers susceptibility to a variety of developmental disorders including developmental delay, microcephaly, epilepsy, short stature, facial dysmorphism, and behavioral problems (PMID: 18550696, 19843651, 24246141). Microdeletions appear de novo or are inherited from mildly affected or completely normal parents in an autosomal dominant manner, suggesting that the microdeletion has incomplete penetrance and variable expressivity (PMID: 17480035, 18550696, 19843651). ClinGen haploinsufficiency score is 3 for this region meaning sufficient evidence for dosage pathogenicity. Based on the available evidence the 16p13.11 BP2-BP3 deletion identified here is classified as likely pathogenic.